The following is an entry in ClinVar:

NM_019109.5(ALG1):c.683A>G (p.Asp228Gly)

Gene: ALG1 (ALG1 chitobiosyldiphosphodolichol beta-mannosyltransferase; plus strand). Cytogenetic location: 16p13.3.
Variant type: single nucleotide variant.
Coding change: c.683A>G on transcript NM_019109.5 (MANE Select); coding-DNA position 683, A replaced by G.
Protein change: p.Asp228Gly; replaces aspartic acid 228 with glycine.
Molecular consequence: missense variant.
Genome position (GRCh38, 1-based): chr16:5,077,960, A>G. VCF-style: chr16-5077960-A-G. GRCh37 (hg19) VCF-style: chr16-5127961-A-G.
Other names: c.350A>G, p.Asp117Gly (NM_001330504.2); short protein forms D117G, D228G.
Identifiers: ClinVar variation 1490202 (VCV001490202.3), dbSNP rs759264819, ClinGen allele CA7889960.

ClinVar aggregate classification (germline): Uncertain significance (1 of 4 stars; one submission).

Conditions:
ALG1-congenital disorder of glycosylation. Also called: CDG Ik; CONGENITAL DISORDER OF GLYCOSYLATION, TYPE Ik; ALG1-CDG. Identifiers: Orphanet 79327, MedGen C2931005, MONDO:0012052, OMIM 608540.

Allele frequency attached by ClinVar (database versions not stated): ExAC 0.00001; gnomAD 0.00001; gnomAD exomes 0.00002 and 0.00003.
gnomAD v4.1: 52 of 1,604,978 alleles (0.0032%); highest among the groups gnomAD compares: Non-Finnish European, 0.0041%; no homozygotes.

Submission:

Labcorp Genetics (formerly Invitae), Labcorp
Classification: Uncertain significance for ALG1-congenital disorder of glycosylation. Last evaluated: 2022-07-16. Review status: criteria provided, single submitter. Criteria: Invitae Variant Classification Sherloc (09022015). Collection method: clinical testing. Allele origin: germline.
Comment: This sequence change replaces aspartic acid, which is acidic and polar, with glycine, which is neutral and non-polar, at codon 228 of the ALG1 protein (p.Asp228Gly). The frequency data for this variant in the population databases is considered unreliable, as metrics indicate poor data quality at this position in the gnomAD database. This variant has not been reported in the literature in individuals affected with ALG1-related conditions. ClinVar contains an entry for this variant (Variation ID: 1490202). Advanced modeling of protein sequence and biophysical properties (such as structural, functional, and spatial information, amino acid conservation, physicochemical variation, residue mobility, and thermodynamic stability) performed at Invitae indicates that this missense variant is not expected to disrupt ALG1 protein function. In summary, the available evidence is currently insufficient to determine the role of this variant in disease. Therefore, it has been classified as a Variant of Uncertain Significance.